The following is an entry in ClinVar:

NM_014000.3(VCL):c.2272C>G (p.Arg758Gly)

Gene: VCL (vinculin; plus strand). Cytogenetic location: 10q22.2.
Variant type: single nucleotide variant.
Coding change: c.2272C>G on transcript NM_014000.3 (MANE Select); coding-DNA position 2272, C replaced by G.
Protein change: p.Arg758Gly; replaces arginine 758 with glycine.
Molecular consequence: missense variant.
Genome position (GRCh38, 1-based): chr10:74,105,191, C>G. VCF-style: chr10-74105191-C-G. GRCh37 (hg19) VCF-style: chr10-75864949-C-G.
Other names: c.2272C>G, p.Arg758Gly (NM_003373.4); short protein forms R758G.
Identifiers: ClinVar variation 2854895 (VCV002854895.3), dbSNP rs1429797708, ClinGen allele CA377262331.
Genomic context (GRCh38, chr10:74,105,191, plus strand): 5'-AAGGTAGCTATGGCCAACATTCAGCCTCAGATGCTGGTTGCTGGGGCAACCAGTATTGCT[C>G]GTCGGGCCAACCGGATCCTGCTGGTGGCTAAGAGGGAGGTGGAGAATTCCGAGGATCCCA-3'
Protein context (NP_054706.1, residues 748-768): MLVAGATSIA[Arg758Gly]RANRILLVAK

ClinVar aggregate classification (germline): Uncertain significance (1 of 4 stars; one submission).

Conditions:
Dilated cardiomyopathy 1W (CMD1W). Identifiers: Orphanet 154, MedGen C1969639, MONDO:0012667, OMIM 611407.

Submission:

Labcorp Genetics (formerly Invitae), Labcorp
Classification: Uncertain significance for Dilated cardiomyopathy 1W. Last evaluated: 2024-01-08. Review status: criteria provided, single submitter. Criteria: Invitae Variant Classification Sherloc (09022015). Collection method: clinical testing. Allele origin: germline.
Comment: This sequence change replaces arginine, which is basic and polar, with glycine, which is neutral and non-polar, at codon 758 of the VCL protein (p.Arg758Gly). This variant is not present in population databases (gnomAD no frequency). This variant has not been reported in the literature in individuals affected with VCL-related conditions. An algorithm developed to predict the effect of missense changes on protein structure and function (PolyPhen-2) suggests that this variant is likely to be disruptive. In summary, the available evidence is currently insufficient to determine the role of this variant in disease. Therefore, it has been classified as a Variant of Uncertain Significance.